The following is an entry in ClinVar:

NM_032119.4(ADGRV1):c.1714del (p.Glu572fs)

Gene: ADGRV1 (adhesion G protein-coupled receptor V1; plus strand). Cytogenetic location: 5q14.3.
Variant type: Deletion.
Coding change: c.1714del on transcript NM_032119.4 (MANE Select); coding-DNA position 1714, one base deleted (G; older notation c.1714delG).
Protein change: p.Glu572fs; shifts the reading frame from glutamic acid 572.
Molecular consequence: frameshift variant. On other transcripts: non-coding transcript variant (1).
Genome position (GRCh38, 1-based): chr5:90,629,414, G deleted. VCF-style (leftmost placement, unchanged base first): chr5-90629413-AG-A. GRCh37 (hg19) VCF-style: chr5-89925230-AG-A.
Other names: short protein forms E572fs.
Identifiers: ClinVar variation 2097893 (VCV002097893.4), dbSNP rs2531842297, ClinGen allele CA2580073733.

ClinVar aggregate classification (germline): Pathogenic (1 of 4 stars; one submission).

Submission:

Labcorp Genetics (formerly Invitae), Labcorp
Classification: Pathogenic. Last evaluated: 2022-02-17. Review status: criteria provided, single submitter. Criteria: Invitae Variant Classification Sherloc (09022015). Collection method: clinical testing. Allele origin: germline.
Comment: This sequence change creates a premature translational stop signal (p.Glu572Lysfs*4) in the ADGRV1 gene. It is expected to result in an absent or disrupted protein product. Loss-of-function variants in ADGRV1 are known to be pathogenic (PMID: 19357117, 22135276, 22147658, 26226137, 26667666, 30029497, 32467589). For these reasons, this variant has been classified as Pathogenic. This variant has not been reported in the literature in individuals affected with ADGRV1-related conditions. This variant is not present in population databases (gnomAD no frequency).

Literature cited by the submitters: PubMed 19357117; PubMed 22135276; PubMed 22147658; PubMed 26226137; PubMed 26667666; PubMed 30029497; PubMed 32467589.